The following is an entry in ClinVar:

NM_172107.4(KCNQ2):c.2536T>C (p.Cys846Arg)

Gene: KCNQ2 (potassium voltage-gated channel subfamily Q member 2; minus strand). Cytogenetic location: 20q13.33.
Variant type: single nucleotide variant.
Coding change: c.2536T>C on transcript NM_172107.4 (MANE Select); coding-DNA position 2536, T replaced by C.
Protein change: p.Cys846Arg; replaces cysteine 846 with arginine.
Molecular consequence: missense variant.
Genome position (GRCh38, 1-based): chr20:63,406,727, A>G on the plus strand (T>C on the coding strand, the complement: KCNQ2 is on the minus strand). VCF-style: chr20-63406727-A-G. GRCh37 (hg19) VCF-style: chr20-62038080-A-G.
Other names: c.2590T>C, p.Cys864Arg (NM_001382235.1); c.2452T>C, p.Cys818Arg (NM_004518.6); c.2482T>C, p.Cys828Arg (NM_172106.3); c.2443T>C, p.Cys815Arg (NM_172108.5); c.2536T>C (NM_172107.2); short protein forms C815R, C846R, C818R, C864R, C828R.
Identifiers: ClinVar variation 1401641 (VCV001401641.8), dbSNP rs2079947062, ClinGen allele CA409636645.
Genomic context (GRCh38, chr20:63,406,727, plus strand): 5'-CCACGTCACCAAAGGGACCCTCGCCGGTGGCCGAGCGTGGCGGGGGCCCGCACGGGGTAC[A>G]GAGGTCGGAGTCGGTGTCTGACTCTCCCTCCGCAATGTAGGGCCTGACTTTGGCACAAGG-3'
Protein context (NP_742105.1, residues 836-856): EGESDTDSDL[Cys846Arg]TPCGPPPRSA

ClinVar aggregate classification (germline): Uncertain significance. Review status: criteria provided, multiple submitters, no conflicts (2 of 4 stars). 2 submissions from 2 submitters: Uncertain significance (2). Last evaluated 2024-06-03.

Conditions:
Early-infantile DEE. Also called: Early infantile epileptic encephalopathy; Ohtahara syndrome; Early infantile epileptic encephalopathy with suppression bursts. Identifiers: Orphanet 1934, MedGen C0393706, MONDO:0800491.

Allele frequency attached by ClinVar (database versions not stated): gnomAD 0.00001.
gnomAD v4.1: 1 of 1,608,756 alleles (0.000062%); highest among the groups gnomAD compares: African/African-American, 0.0013%; no homozygotes.

Submissions (2):

GeneDx
Classification: Uncertain significance. Last evaluated: 2024-06-03. Review status: criteria provided, single submitter. Criteria: GeneDx Variant Classification Process June 2021. Collection method: clinical testing. Allele origin: germline. Affected: yes.
Comment: In silico analysis supports that this missense variant has a deleterious effect on protein structure/function; Not observed at significant frequency in large population cohorts (gnomAD); Has not been previously published as pathogenic or benign to our knowledge; This substitution is predicted to be within the C-terminal cytoplasmic domain

Labcorp Genetics (formerly Invitae), Labcorp
Classification: Uncertain significance for Early-infantile DEE. Last evaluated: 2021-09-26. Review status: criteria provided, single submitter. Criteria: Invitae Variant Classification Sherloc (09022015). Collection method: clinical testing. Allele origin: germline.
Comment: In summary, the available evidence is currently insufficient to determine the role of this variant in disease. Therefore, it has been classified as a Variant of Uncertain Significance. Algorithms developed to predict the effect of missense changes on protein structure and function are either unavailable or do not agree on the potential impact of this missense change (SIFT: "Deleterious"; PolyPhen-2: "Probably Damaging"; Align-GVGD: "Class C0"). This variant has not been reported in the literature in individuals affected with KCNQ2-related conditions. This variant is not present in population databases (ExAC no frequency). This sequence change replaces cysteine with arginine at codon 846 of the KCNQ2 protein (p.Cys846Arg). The cysteine residue is highly conserved and there is a large physicochemical difference between cysteine and arginine.